The following is an entry in ClinVar:

ClinVar aggregate classification (germline): Conflicting classifications of pathogenicity. Review status: criteria provided, conflicting classifications (1 of 4 stars). 5 submissions from 5 submitters: Uncertain significance (3); Benign (1); Likely benign (1). Last evaluated 2026-02-03.

Conditions:
Birt-Hogg-Dube syndrome 1 (BHD1). Also called: FIBROFOLLICULOMAS WITH TRICHODISCOMAS AND ACROCHORDONS. Identifiers: Orphanet 122, MedGen CN375946, MONDO:0800445, OMIM 135150.
Hereditary cancer-predisposing syndrome. Also called: Neoplastic Syndromes, Hereditary; Hereditary Cancer Syndrome; Hereditary neoplastic syndrome; Tumor predisposition. Identifiers: Orphanet 140162, MedGen C0027672, MeSH D009386, MONDO:0015356.
Birt-Hogg-Dube syndrome. Also called: Birt Hogg Dubé syndrome. Identifiers: Orphanet 122, MedGen C0346010, MONDO:0800444.

Allele frequency attached by ClinVar (database versions not stated): TOPMed 0.00003; gnomAD 0.00004; gnomAD exomes 0.00003 and 0.00004; ExAC 0.00003.
gnomAD v4.1: 56 of 1,613,738 alleles (0.0035%); highest among the groups gnomAD compares: Non-Finnish European, 0.0044%; no homozygotes.

Submissions (5):

Labcorp Genetics (formerly Invitae), Labcorp
Classification: Uncertain significance for Birt-Hogg-Dube syndrome. Last evaluated: 2026-02-03. Review status: criteria provided, single submitter. Criteria: Invitae Variant Classification Sherloc (09022015). Collection method: clinical testing. Allele origin: germline.
Comment: This sequence change replaces serine, which is neutral and polar, with glycine, which is neutral and non-polar, at codon 406 of the FLCN protein (p.Ser406Gly). This variant is present in population databases (rs528541881, gnomAD 0.009%). This variant has not been reported in the literature in individuals affected with FLCN-related conditions. ClinVar contains an entry for this variant (Variation ID: 529981). Invitae Evidence Modeling of protein sequence and biophysical properties (such as structural, functional, and spatial information, amino acid conservation, physicochemical variation, residue mobility, and thermodynamic stability) indicates that this missense variant is not expected to disrupt FLCN protein function with a negative predictive value of 80%. In summary, the available evidence is currently insufficient to determine the role of this variant in disease. Therefore, it has been classified as a Variant of Uncertain Significance.

Myriad Genetics, Inc.
Classification: Likely benign for Birt-Hogg-Dube syndrome 1. Last evaluated: 2024-10-24. Review status: criteria provided, single submitter. Criteria: Myriad Autosomal Dominant, Autosomal Recessive and X-Linked Classification Criteria (2023). Collection method: clinical testing. Allele origin: unknown.
Comment: This variant is considered likely benign. This variant has been observed at a population frequency that is significantly greater than expected given the associated disease prevalence and penetrance.

Quest Diagnostics Nichols Institute San Juan Capistrano
Classification: Uncertain significance. Last evaluated: 2023-08-21. Review status: criteria provided, single submitter. Criteria: Quest Diagnostics criteria. Collection method: clinical testing. Allele origin: unknown.
Comment: In the published literature, this variant has not been reported in individuals with FLCN related conditions. The frequency of this variant in the general population, 0.000098 (11/112490 chromosomes in European (Non-Finnish) subpopulation (Genome Aggregation Database)), is higher than would generally be expected for pathogenic variants in this gene. Analysis of this variant using bioinformatics tools for the prediction of the effect of amino acid changes on protein structure and function yielded predictions that this variant is damaging. Based on the available information, we are unable to determine the clinical significance of this variant.

Ambry Genetics
Classification: Benign for Hereditary cancer-predisposing syndrome. Last evaluated: 2023-04-27. Review status: criteria provided, single submitter. Criteria: Ambry Variant Classification Scheme 2023. Collection method: clinical testing. Allele origin: germline.

GeneDx
Classification: Uncertain significance. Last evaluated: 2023-03-01. Review status: criteria provided, single submitter. Criteria: GeneDx Variant Classification Process June 2021. Collection method: clinical testing. Allele origin: germline.
Comment: In silico analysis supports that this missense variant does not alter protein structure/function; Has not been previously published as pathogenic or benign to our knowledge; This variant is associated with the following publications: (PMID: 17028174)

Literature cited by the submitters: PubMed 33137092 (cited by Quest Diagnostics Nichols Institute San Juan Capistrano).

NM_144997.7(FLCN):c.1216A>G (p.Ser406Gly)

Gene: FLCN (folliculin; minus strand). Cytogenetic location: 17p11.2.
Variant type: single nucleotide variant.
Coding change: c.1216A>G on transcript NM_144997.7 (MANE Select); coding-DNA position 1216, A replaced by G.
Protein change: p.Ser406Gly; replaces serine 406 with glycine.
Molecular consequence: missense variant.
Genome position (GRCh38, 1-based): chr17:17,216,464, T>C on the plus strand (A>G on the coding strand, the complement: FLCN is on the minus strand). VCF-style: chr17-17216464-T-C. GRCh37 (hg19) VCF-style: chr17-17119778-T-C.
Other names: c.1270A>G, p.Ser424Gly (NM_001353229.2); c.1216A>G, p.Ser406Gly (NM_001353230.2, NM_001353231.2); c.1216A>G (LRG_325t1, NM_144997.6); short protein forms S406G, S424G.
Identifiers: ClinVar variation 529981 (VCV000529981.18), dbSNP rs528541881, ClinGen allele CA8416094.